The following continues an entry in ClinVar:

NM_005105.5(RBM8A):c.-21G>A

ClinVar aggregate classification (germline): Pathogenic/Likely pathogenic/Pathogenic, low penetrance; other. Pathogenic (25); Likely pathogenic (5); Pathogenic, low penetrance (1).

Submissions 11 to 23 of 42:

ARUP Laboratories, Molecular Genetics and Genomics, ARUP Laboratories
Classification: Pathogenic for Radial aplasia-thrombocytopenia syndrome. Last evaluated: 2024-09-26. Review status: criteria provided, single submitter. Criteria: ARUP Molecular Germline Variant Investigation Process 2024. Collection method: clinical testing. Allele origin: germline.
Comment: The RBM8A c.-21G>A variant (rs139428292, ClinVar Variation ID: 30464) is reported in the literature in numerous individuals affected with thrombocytopenia-absent radius syndrome when found in trans with second pathogenic variant usually with the recurrent 1q21.1 deletion (Albers 2012, Nicchia 2016). This variant is found in the general population with an overall allele frequency of 1.8% (4,831/269,236 alleles, including 64 homozygotes) in the Genome Aggregation Database (v2.1.1). One functional study found this variant disrupted transcription factor binding and reduced transcription of RBM8A (Albers 2012). Based on available information, this variant is considered to be pathogenic. References: Albers CA et al. Compound inheritance of a low-frequency regulatory SNP and a rare null mutation in exon-junction complex subunit RBM8A causes TAR syndrome. Nat Genet. 2012 Feb 26;44(4):435-9, S1-2. PMID: 22366785. Nicchia E et al. Molecular diagnosis of thrombocytopenia-absent radius syndrome using next-generation sequencing. Int J Lab Hematol. 2016 Aug;38(4):412-8. PMID: 27320760.

St. Jude Molecular Pathology, St. Jude Children's Research Hospital
Classification: Pathogenic for Radial aplasia-thrombocytopenia syndrome. Last evaluated: 2024-09-09. Review status: criteria provided, single submitter. Criteria: St. Jude Assertion Criteria 2020. Collection method: clinical testing. Allele origin: germline.
Comment: The RBM8A c.-21G>A change is a substitution in the 5'UTR of the RBM8A gene and it is not expected to alter the amino acid sequence. This variant has a maximum founder subpopulation frequency of 2.77% and a maximum non-founder subpopulation frequency of 0.57% in gnomAD v2.1.1. Functional studies on this variant showed that it reduces gene expression. Electrophoretic mobility shift assays demonstrated altered transcription, luciferase assays confirmed decreased promoter activity in relevant cell lines, while immunoblot analysis revealed reduced Y14 protein levels in TAR syndrome patients (PMID: 22366785). This variant has been identified in individuals with TAR syndrome in a compound heterozygous state with a 1q21.1 deletion and has been observed to cosegregate with the disease in more than three families (PMID: 22366785, 28857120, 32227665). In summary, this variant meets criteria to be classified as pathogenic.

Mayo Clinic Laboratories, Mayo Clinic
Classification: Pathogenic. Last evaluated: 2024-08-19. Review status: criteria provided, single submitter. Criteria: ACMG Guidelines, 2015. Collection method: clinical testing. Allele origin: germline.
Comment: BS1, BS2, PP5, PM3_strong, PS3, PS4_moderate

Laboratory of Medical Genetics, National & Kapodistrian University of Athens
Classification: Pathogenic for Radial aplasia-thrombocytopenia syndrome. Last evaluated: 2024-06-17. Review status: criteria provided, single submitter. Criteria: ACMG Guidelines, 2015. Collection method: clinical testing. Allele origin: germline. Affected: yes.
Comment: PS3, PS4_MOD - It has been reported in ClinVar as Pathogenic by other laboratories (Variation ID: 30464).

GeneDx
Classification: Pathogenic. Last evaluated: 2024-05-01. Review status: criteria provided, single submitter. Criteria: GeneDx Variant Classification Process June 2021. Collection method: clinical testing. Allele origin: germline. Affected: yes.
Comment: Published functional studies suggest a damaging effect due to disruption of transcription factor binding and reduced transcription of RBM8A, indicating that this is a hypomorphic allele (PMID: 22366785); Nucleotide is not conserved across species and the substitution has no predicted effect on splicing; This variant is associated with the following publications: (PMID: 25813282, 24053387, 28556904, 22366785, 32981126, 27320760, 24220582, 30385887, 30609409, 29595812, 20301781, 32227665, 28983057, 32333414, 28857120, 36939041, 34323054, 36077017)

Department of Pathology and Laboratory Medicine, Sinai Health System
Classification: Likely pathogenic for Radial aplasia-thrombocytopenia syndrome. Last evaluated: 2023-10-23. Review status: criteria provided, single submitter. Criteria: ACMG Guidelines, 2015. Collection method: research. Allele origin: germline.

Laboratory for Molecular Medicine, Mass General Brigham Personalized Medicine
Classification: Pathogenic for Radial aplasia-thrombocytopenia syndrome. Last evaluated: 2023-08-15. Review status: criteria provided, single submitter. Criteria: ACMG Guidelines, 2015. Collection method: clinical testing. Allele origin: germline.
Comment: The c.-21G>A variant in RBM8A has been reported in the compound heterozygous state in numerous individuals with thrombocytopenia with absent radius (TAR) syndrome. The majority of these individuals had a submicroscopic deletion encompassing the RBM8A gene on the other allele, while the remaining cases had different truncating variants on the opposite allele (Albers 2012 PMID: 22366785, Bottillo 2013 PMID: 24053387, Manukjan 2017 PMID: 28857120). This variant has also been reported by other clinical laboratories in ClinVar (Variation ID #30464) and has been identified in 2.9% (1979/68026) of European chromosomes, including 27 homozygotes in gnomAD (v.3.1.2). Although this variant has been seen in the general population, its frequency is not high enough to rule out a pathogenic role in the compound heterozygous state. This variant is located in the 5'UTR of the RBM8A gene and does not affect the coding sequence. In vitro studies suggest that it affects promoter activity and may lead to reduced gene expression, functioning as a hypomorphic allele (Albers 2012 PMID: 22366785). Compound heterozygosity for a hypomorph (this variant) and a loss of function variant in RBM8A is strongly associated with TAR syndrome; however, individuals that are homozygous for the c.-21G>A variant are not expected to have features of TAR syndrome. In summary, despite its frequency in the general population, this variant meets criteria to be pathogenic for autosomal recessive TAR syndrome when in compound heterozygosity with another more severe loss of function RBM8A variant. ACMG/AMP Criteria applied: PM3_VeryStrong, PS3_Moderate.

Johns Hopkins Genomics, Johns Hopkins University
Classification: Pathogenic for Radial aplasia-thrombocytopenia syndrome. Last evaluated: 2023-08-01. Review status: criteria provided, single submitter. Criteria: ACMG Guidelines, 2015. Collection method: clinical testing. Allele origin: germline.

Daryl Scott Lab, Baylor College of Medicine
Classification: Pathogenic for Radial aplasia-thrombocytopenia syndrome. Last evaluated: 2023-04-11. Review status: criteria provided, single submitter. Criteria: ACMG Guidelines, 2015. Collection method: clinical testing. Allele origin: maternal. Affected: yes.

Center for Genomics, Ann and Robert H. Lurie Children's Hospital of Chicago
Classification: Pathogenic for Radial aplasia-thrombocytopenia syndrome. Last evaluated: 2022-10-12. Review status: criteria provided, single submitter. Criteria: ACMG Guidelines, 2015. Collection method: clinical testing. Allele origin: germline.
Comment: This variant has been reported in the literature in numerous individuals with thrombocytopenia-absent radius (TAR) syndrome, most often as a compound heterozygote in trans with a recurrent 200kb deletion (Selected publications: Albers 2012 PMID: 22366785; Bottillo 2013 PMID: 24053387; Bastida 2018 PMID: 28983057; Boussion 2020 PMID: 32227665) and is present in the GeneReviews entry for this gene (Toriello 2016 PMID: 20301781). Of note, individuals who carry this variant in the homozygous state have typically not been found in association with disease (Toriello 2016 PMID: 20301781). This variant is present in the Genome Aggregation Database (Highest reported MAF: 2.8% [3411/122966], including in 64 total homozygotes. This variant is also present in ClinVar, with several labs classifying this variant as Pathogenic (Variation ID: 30464). Evolutionary conservation and computational predictive tools for this variant are limited or unavailable. Of note, this variant occurs in the 5' UTR of this gene and does not change the coding sequence; however, literature suggests that this variant affects promoter activity and functions as a hypomorphic allele (Albers 2012 PMID: 22366785). In summary, although this variant occurs at a high minor allele frequency, there is significant evidence suggesting a disease-causing impact of this variant and it is thus classified as pathogenic, but may be best regarded as a a hypomorphic allele.

Women's Health and Genetics/Laboratory Corporation of America, LabCorp
Classification: Pathogenic for Radial aplasia-thrombocytopenia syndrome. Last evaluated: 2022-08-03. Review status: criteria provided, single submitter. Criteria: LabCorp Variant Classification Summary - May 2015. Collection method: clinical testing. Allele origin: germline.
Comment: Variant summary: RBM8A c.-21G>A is located in the untranslated mRNA region upstream of the initiation codon. 4/4 computational tools predict no significant impact on normal splicing. However, these predictions have yet to be confirmed by functional studies. The variant allele was found at a frequency of 0.018 in 237842 control chromosomes in the gnomAD database, including 61 homozygotes. c.-21G>A has been reported in the literature in multiple individuals affected with Radial Aplasia-Thrombocytopenia Syndrome. These data indicate that the variant is very likely to be associated with disease. At least one publication reports experimental evidence evaluating an impact on protein function and showed that variant resulted in decreased promoter activity (Albers_2012). Twelve clinical diagnostic laboratories have submitted clinical-significance assessments for this variant to ClinVar after 2014 without evidence for independent evaluation. All laboratories classified the variant as pathogenic/likely pathogenic. Based on the evidence outlined above, the variant was classified as pathogenic.

Mendelics
Classification: Pathogenic for Radial aplasia-thrombocytopenia syndrome. Last evaluated: 2022-05-04. Review status: criteria provided, single submitter. Criteria: Mendelics Assertion Criteria 2019. Collection method: clinical testing. Allele origin: germline.

Fulgent Genetics
Classification: Pathogenic for Radial aplasia-thrombocytopenia syndrome. Last evaluated: 2022-04-13. Review status: criteria provided, single submitter. Criteria: ACMG Guidelines, 2015. Collection method: clinical testing. Allele origin: unknown.